The following is an entry in ClinVar:

ClinVar aggregate classification (germline): Likely pathogenic (1 of 4 stars; one submission).

Conditions:
REST-related disorder. Also called: REST-related condition.

Submission:

PreventionGenetics, part of Exact Sciences
Classification: Likely pathogenic for REST-related condition. Last evaluated: 2023-06-13. Review status: criteria provided, single submitter. Criteria: ACMG Guidelines, 2015. Collection method: clinical testing. Allele origin: germline.
Comment: The REST c.764delA variant is predicted to result in a frameshift and premature protein termination (p.Tyr255Serfs*4). To our knowledge, this variant has not been reported in the literature or in a large population database, indicating this variant is rare. Frameshift variants in REST are expected to be pathogenic. This variant is interpreted as likely pathogenic.

NM_005612.5(REST):c.764del (p.Tyr255fs)

Gene: REST (RE1 silencing transcription factor; plus strand). Cytogenetic location: 4q12.
Variant type: Deletion.
Coding change: c.764del on transcript NM_005612.5 (MANE Select); coding-DNA position 764, one base deleted (A; older notation c.764delA).
Protein change: p.Tyr255fs; shifts the reading frame from tyrosine 255.
Molecular consequence: frameshift variant.
Genome position (GRCh38, 1-based): chr4:56,911,402, A deleted. VCF-style (leftmost placement, unchanged base first): chr4-56911401-TA-T. GRCh37 (hg19) VCF-style: chr4-57777567-TA-T.
Other names: c.764delA, p.Tyr255Serfs (NM_001193508.2, NM_001363453.3); short protein forms Y255fs.
Identifiers: ClinVar variation 2632513 (VCV002632513.1), dbSNP rs2475800849, ClinGen allele CA2695199385.